The following is an entry in ClinVar:

ClinVar aggregate classification (germline): Likely benign (1 of 4 stars; one submission).

Allele frequency attached by ClinVar (database versions not stated): 1000 Genomes Project 0.00699; 1000 Genomes Project 30x 0.00718; TOPMed 0.01515; gnomAD 0.01536 and 0.01613.
gnomAD v4.1: 2,375 of 152,214 alleles (1.6%); highest among the groups gnomAD compares: Non-Finnish European, 2.3%; 27 homozygotes.

Submission:

GeneDx
Classification: Likely benign. Last evaluated: 2018-06-14. Review status: criteria provided, single submitter. Criteria: GeneDx Variant Classification (06012015). Collection method: clinical testing. Allele origin: germline. Affected: yes.
Comment: This variant is considered likely benign or benign based on one or more of the following criteria: it is a conservative change, it occurs at a poorly conserved position in the protein, it is predicted to be benign by multiple in silico algorithms, and/or has population frequency not consistent with disease.

NM_001199397.3(NEK1):c.312+195G>A

Gene: NEK1 (NIMA related kinase 1; minus strand). Cytogenetic location: 4q33.
Variant type: single nucleotide variant.
Coding change: c.312+195G>A on transcript NM_001199397.3 (MANE Select); 195 bases into the intron after coding-DNA position 312, G replaced by A.
Molecular consequence: intron variant.
Genome position (GRCh38, 1-based): chr4:169,598,905, C>T on the plus strand (G>A on the coding strand, the complement: NEK1 is on the minus strand). VCF-style: chr4-169598905-C-T. GRCh37 (hg19) VCF-style: chr4-170520056-C-T.
Other names: c.312+195G>A (NM_001374421.1, NM_001374420.1, NM_001199399.3 and 7 more transcripts).
Identifiers: ClinVar variation 669461 (VCV000669461.1), dbSNP rs76717142, ClinGen allele CA109924630.
Genomic context (GRCh38, chr4:169,598,905, plus strand): 5'-GCATATACATAGACGCATGATATATATAACATACATCACAGAGATAACAATATATCATTA[C>T]AGACTATAAATGAGATGGGCAACTGAACAAAGGTGGCAGCTAATTAGAGGTAAATATGAG-3'